The following is an entry in ClinVar:

ClinVar aggregate classification (germline): Uncertain significance (1 of 4 stars; one submission).

Conditions:
Hypertrophic cardiomyopathy. Also called: HYPERTROPHIC MYOCARDIOPATHY. Identifiers: Orphanet 217569, MedGen C0007194, MeSH D002312, MONDO:0005045, HP:0001639.

Allele frequency attached by ClinVar (database versions not stated): TOPMed below 0.00001.

Submission:

Labcorp Genetics (formerly Invitae), Labcorp
Classification: Uncertain significance for Hypertrophic cardiomyopathy. Last evaluated: 2023-05-24. Review status: criteria provided, single submitter. Criteria: Invitae Variant Classification Sherloc (09022015). Collection method: clinical testing. Allele origin: germline.
Comment: This variant has not been reported in the literature in individuals affected with MYL3-related conditions. This variant is not present in population databases (gnomAD no frequency). This sequence change replaces leucine, which is neutral and non-polar, with proline, which is neutral and non-polar, at codon 96 of the MYL3 protein (p.Leu96Pro). An algorithm developed to predict the effect of missense changes on protein structure and function (PolyPhen-2) suggests that this variant is likely to be disruptive. In summary, the available evidence is currently insufficient to determine the role of this variant in disease. Therefore, it has been classified as a Variant of Uncertain Significance.

NM_000258.3(MYL3):c.287T>C (p.Leu96Pro)

Gene: MYL3 (myosin light chain 3; minus strand). Cytogenetic location: 3p21.31.
Variant type: single nucleotide variant.
Coding change: c.287T>C on transcript NM_000258.3 (MANE Select); coding-DNA position 287, T replaced by C.
Protein change: p.Leu96Pro; replaces leucine 96 with proline.
Molecular consequence: missense variant.
Genome position (GRCh38, 1-based): chr3:46,860,696, A>G on the plus strand (T>C on the coding strand, the complement: MYL3 is on the minus strand). VCF-style: chr3-46860696-A-G. GRCh37 (hg19) VCF-style: chr3-46902186-A-G.
Other names: c.287T>C, p.Leu96Pro (NM_001406937.1, NM_001406938.1, NM_001406939.1); c.113T>C, p.Leu38Pro (NM_001406940.1, NM_001406941.1); short protein forms L38P, L96P.
Identifiers: ClinVar variation 2887343 (VCV002887343.3), dbSNP rs1575498166, ClinGen allele CA352497854.